The following is an entry in ClinVar:

ClinVar aggregate classification (germline): Uncertain significance (1 of 4 stars; one submission).

Conditions:
RYR1-related disorder. Also called: RYR1-related condition; RYR1-related disorders. Identifiers: MedGen CN239331.

Submission:

Labcorp Genetics (formerly Invitae), Labcorp
Classification: Uncertain significance for RYR1-related disorder. Last evaluated: 2022-05-16. Review status: criteria provided, single submitter. Criteria: Invitae Variant Classification Sherloc (09022015). Collection method: clinical testing. Allele origin: germline.
Comment: In summary, the available evidence is currently insufficient to determine the role of this variant in disease. Therefore, it has been classified as a Variant of Uncertain Significance. Experimental studies and prediction algorithms are not available or were not evaluated, and the functional significance of this variant is currently unknown. This variant has not been reported in the literature in individuals affected with RYR1-related conditions. This variant is not present in population databases (gnomAD no frequency). This variant, c.4126_4128del, results in the deletion of 1 amino acid(s) of the RYR1 protein (p.Lys1376del), but otherwise preserves the integrity of the reading frame.

NM_000540.3(RYR1):c.4126_4128del (p.Lys1376del)

Gene: RYR1 (ryanodine receptor 1; plus strand). Cytogenetic location: 19q13.2.
Variant type: Deletion.
Coding change: c.4126_4128del on transcript NM_000540.3 (MANE Select); coding-DNA positions 4126 to 4128, 3 bases deleted (AAG; older notation c.4126_4128delAAG).
Protein change: p.Lys1376del; deletes lysine 1376.
Molecular consequence: inframe deletion.
Genome position (GRCh38, 1-based): chr19:38,473,737-38,473,739, AAG deleted; deleting any 3 consecutive bases within chr19:38,473,735-38,473,739 gives the same sequence; the c. name uses the placement nearest the transcript's 3' end. VCF-style (leftmost placement, unchanged base first): chr19-38473734-GAGA-G. GRCh37 (hg19) VCF-style: chr19-38964374-GAGA-G.
Other names: c.4126_4128del, p.Lys1376del (NM_001042723.2); short protein forms K1376del.
Identifiers: ClinVar variation 1992023 (VCV001992023.4), dbSNP rs2145485307, ClinGen allele CA995723512.